The following is an entry in ClinVar:

ClinVar aggregate classification (germline): Conflicting classifications of pathogenicity. Review status: criteria provided, conflicting classifications (1 of 4 stars). 5 submissions from 5 submitters: Uncertain significance (4); Likely benign (1). Last evaluated 2025-10-12.

Conditions:
Inborn genetic diseases. Identifiers: MedGen C0950123, MeSH D030342.
Charcot-Marie-Tooth disease dominant intermediate B (CMTDIB). Also called: Charcot-Marie-Tooth disease dominant intermediate 1; CMT DI1; Charcot-Marie-Tooth disease dominant intermediate I; CHARCOT-MARIE-TOOTH NEUROPATHY, DOMINANT INTERMEDIATE B. Identifiers: Orphanet 100044, Orphanet 228179, MedGen C1847902, MONDO:0011674, OMIM 606482.

Allele frequency attached by ClinVar (database versions not stated): gnomAD exomes 0.00001 and 0.00004; gnomAD 0.00002 and 0.00003; TOPMed 0.00004; ExAC 0.00011.
gnomAD v4.1: 15 of 1,486,370 alleles (0.001%); highest among the groups gnomAD compares: Admixed American, 0.018%; no homozygotes.

Submissions (5):

Labcorp Genetics (formerly Invitae), Labcorp
Classification: Uncertain significance for Charcot-Marie-Tooth disease dominant intermediate B. Last evaluated: 2025-10-12. Review status: criteria provided, single submitter. Criteria: Invitae Variant Classification Sherloc (09022015). Collection method: clinical testing. Allele origin: germline.
Comment: This sequence change replaces asparagine, which is neutral and polar, with serine, which is neutral and polar, at codon 50 of the DNM2 protein (p.Asn50Ser). This variant is present in population databases (rs757121012, gnomAD 0.03%). This variant has not been reported in the literature in individuals affected with DNM2-related conditions. ClinVar contains an entry for this variant (Variation ID: 288108). Invitae Evidence Modeling of protein sequence and biophysical properties (such as structural, functional, and spatial information, amino acid conservation, physicochemical variation, residue mobility, and thermodynamic stability) has been performed for this missense variant. However, the output from this modeling did not meet the statistical confidence thresholds required to predict the impact of this variant on DNM2 protein function. In summary, the available evidence is currently insufficient to determine the role of this variant in disease. Therefore, it has been classified as a Variant of Uncertain Significance.

Ambry Genetics
Classification: Likely benign for Inborn genetic diseases. Last evaluated: 2024-08-07. Review status: criteria provided, single submitter. Criteria: Ambry Variant Classification Scheme 2023. Collection method: clinical testing. Allele origin: germline.

Blueprint Genetics
Classification: Uncertain significance. Last evaluated: 2023-04-11. Review status: criteria provided, single submitter. Criteria: ACMG Guidelines, 2015. Collection method: clinical testing. Allele origin: germline.

Revvity Omics, Revvity
Classification: Uncertain significance. Last evaluated: 2019-06-22. Review status: criteria provided, single submitter. Criteria: ACMG Guidelines, 2015. Collection method: clinical testing. Allele origin: germline.

Eurofins Ntd Llc (ga)
Classification: Uncertain significance. Last evaluated: 2016-08-16. Review status: criteria provided, single submitter. Criteria: EGL Classification Definitions 2015. Collection method: clinical testing. Allele origin: germline. Observed: 1 variant allele, 1 heterozygote.

NM_001005361.3(DNM2):c.149A>G (p.Asn50Ser)

Genes: DNM2 (dynamin 2; plus strand), LOC130063529 (ATAC-STARR-seq lymphoblastoid silent region 10090; plus strand). Cytogenetic location: 19p13.2.
Variant type: single nucleotide variant.
Coding change: c.149A>G on transcript NM_001005361.3 (MANE Select); coding-DNA position 149, A replaced by G.
Protein change: p.Asn50Ser; replaces asparagine 50 with serine.
Molecular consequence: missense variant.
Genome position (GRCh38, 1-based): chr19:10,718,391, A>G. VCF-style: chr19-10718391-A-G. GRCh37 (hg19) VCF-style: chr19-10829067-A-G.
Other names: c.149A>G, p.Asn50Ser (NM_001005360.3, NM_001005362.3, NM_001190716.2 and 1 more transcripts); c.149A>G (NM_001005360.2); short protein forms N50S.
Identifiers: ClinVar variation 288108 (VCV000288108.17), dbSNP rs757121012, ClinGen allele CA9200683.
Genomic context (GRCh38, chr19:10,718,391, plus strand): 5'-ACCTGCCGCAGATCGCTGTAGTGGGCGGCCAGAGCGCCGGCAAGAGCTCGGTGCTGGAGA[A>G]CTTCGTGGGCCGGTGAGCGGGCGCGGCAGGGATCGCGGGCGGGTGGCGGCCTAGGGCGCG-3'
Protein context (NP_001005361.1, residues 40-60): QSAGKSSVLE[Asn50Ser]FVGRDFLPRG